The following is an entry in ClinVar:

ClinVar aggregate classification (germline): Benign/Likely benign. Review status: criteria provided, multiple submitters, no conflicts (2 of 4 stars). 4 submissions from 4 submitters: Benign (1); Likely benign (3). Last evaluated 2026-05-12.

Conditions:
Deficiency of iodide peroxidase (TDH2A). Also called: Thyroid dyshormonogenesis 2A; HYPOTHYROIDISM, CONGENITAL, DUE TO DYSHORMONOGENESIS, 2A; IODIDE PEROXIDASE DEFICIENCY; THYROID HORMONOGENESIS, GENETIC DEFECT IN, 2A; THYROID PEROXIDASE DEFICIENCY. Identifiers: Orphanet 95716, MedGen C1291299, MONDO:0010133, OMIM 274500.

Allele frequency attached by ClinVar (database versions not stated): gnomAD exomes 0.00422; ExAC 0.00513; TOPMed 0.01726; gnomAD 0.01414; 1000 Genomes Project 0.01917; ESP Exome Variant Server 0.01668; 1000 Genomes Project 30x 0.02046.
gnomAD v4.1: 5,047 of 1,613,962 alleles (0.31%); highest among the groups gnomAD compares: African/African-American, 5.5%; 112 homozygotes.

Submissions (4):

Women's Health and Genetics/Laboratory Corporation of America, LabCorp
Classification: Likely benign. Last evaluated: 2026-05-12. Review status: criteria provided, single submitter. Criteria: LabCorp Variant Classification Summary - May 2015. Collection method: clinical testing. Allele origin: germline.

Labcorp Genetics (formerly Invitae), Labcorp
Classification: Benign. Last evaluated: 2026-01-28. Review status: criteria provided, single submitter. Criteria: Invitae Variant Classification Sherloc (09022015). Collection method: clinical testing. Allele origin: germline.

Illumina Laboratory Services, Illumina
Classification: Likely benign for Deficiency of iodide peroxidase. Last evaluated: 2017-04-28. Review status: criteria provided, single submitter. Criteria: ICSL Variant Classification Criteria 13 December 2019. Collection method: clinical testing. Allele origin: germline.
Comment: This variant was observed as part of a predisposition screen in an ostensibly healthy population. A literature search was performed for the gene, cDNA change, and amino acid change (where applicable). No publications were found based on this search. Allele frequency data from public databases allowed determination this variant is unlikely to cause disease. Therefore, this variant is classified as likely benign.

Breakthrough Genomics
Classification: Likely benign. Review status: criteria provided, single submitter. Criteria: ACMG Guidelines, 2015. Collection method: not provided. Allele origin: germline. Inheritance: Autosomal recessive inheritance. Affected: yes.

NM_001206744.2(TPO):c.1566T>C (p.Ala522=)

Gene: TPO (thyroid peroxidase; plus strand). Cytogenetic location: 2p25.3.
Variant type: single nucleotide variant.
Coding change: c.1566T>C on transcript NM_001206744.2 (MANE Select); coding-DNA position 1566, T replaced by C.
Protein change: p.Ala522=; no amino-acid change (alanine 522 retained).
Molecular consequence: synonymous variant.
Genome position (GRCh38, 1-based): chr2:1,484,823, T>C. VCF-style: chr2-1484823-T-C. GRCh37 (hg19) VCF-style: chr2-1488595-T-C.
Other names: c.1566T>C, p.Ala522= (NM_000547.6, NM_001206745.2, NM_175719.4 and 1 more transcripts); c.1047T>C, p.Ala349= (NM_175722.3).
Identifiers: ClinVar variation 769559 (VCV000769559.13), dbSNP rs17091745, ClinGen allele CA1511756.
Genomic context (GRCh38, chr2:1,484,823, plus strand): 5'-GAGGCTGGACGCCAGCTTCCAGGAGCACCCCGACCTGCCCGGGCTGTGGCTGCACCAGGC[T>C]TTCTTCAGCCCATGGACATTACTCCGTGGAGGTGAGTGAGTGCGGTCCCTGCAGCTGGTC-3'
Protein context (NP_001193673.1, residues 512-532): PDLPGLWLHQ[Ala522=]FFSPWTLLRG